The following continues an entry in ClinVar:

NM_001267550.2(TTN):c.20861C>T (p.Ala6954Val)

ClinVar aggregate classification (germline): Benign. Benign (19).

Submissions 21 to 34 of 34:

Clinical Genetics, Academic Medical Center
Classification: Benign. Review status: no assertion criteria provided. Collection method: clinical testing. Allele origin: germline. Affected: yes. Study: VKGL Data-share Consensus. Not counted in ClinVar's aggregate classification.

Dr. Peter K. Rogan Lab, Western University
No classification provided (evidence only). Condition: Nonpapillary renal cell carcinoma. Review status: no classification provided. Collection method: in vitro. Allele origin: not applicable. Functional consequence: retained intron. Not counted in ClinVar's aggregate classification.

Dr. Peter K. Rogan Lab, Western University
No classification provided (evidence only). Condition: Nonpapillary renal cell carcinoma. Review status: no classification provided. Collection method: in vitro. Allele origin: not applicable. Functional consequence: retained intron. Not counted in ClinVar's aggregate classification.

Dr. Peter K. Rogan Lab, Western University
No classification provided (evidence only). Condition: Familial pancreatic carcinoma. Review status: no classification provided. Collection method: in vitro. Allele origin: not applicable. Functional consequence: retained intron. Not counted in ClinVar's aggregate classification.

Dr. Peter K. Rogan Lab, Western University
No classification provided (evidence only). Condition: Acute myeloid leukemia. Review status: no classification provided. Collection method: in vitro. Allele origin: not applicable. Functional consequence: retained intron. Not counted in ClinVar's aggregate classification.

Dr. Peter K. Rogan Lab, Western University
No classification provided (evidence only). Condition: Uterine corpus endometrial carcinoma. Review status: no classification provided. Collection method: in vitro. Allele origin: not applicable. Functional consequence: retained intron. Not counted in ClinVar's aggregate classification.

Dr. Peter K. Rogan Lab, Western University
No classification provided (evidence only). Condition: Cervical cancer. Review status: no classification provided. Collection method: in vitro. Allele origin: not applicable. Functional consequence: retained intron. Not counted in ClinVar's aggregate classification.

Dr. Peter K. Rogan Lab, Western University
No classification provided (evidence only). Condition: Sarcoma. Review status: no classification provided. Collection method: in vitro. Allele origin: not applicable. Functional consequence: retained intron. Not counted in ClinVar's aggregate classification.

Dr. Peter K. Rogan Lab, Western University
No classification provided (evidence only). Condition: Thymoma. Review status: no classification provided. Collection method: in vitro. Allele origin: not applicable. Functional consequence: retained intron. Not counted in ClinVar's aggregate classification.

Dr. Peter K. Rogan Lab, Western University
No classification provided (evidence only). Condition: Ovarian serous cystadenocarcinoma. Review status: no classification provided. Collection method: in vitro. Allele origin: not applicable. Functional consequence: retained intron. Not counted in ClinVar's aggregate classification.

Dr. Peter K. Rogan Lab, Western University
No classification provided (evidence only). Condition: Ovarian serous cystadenocarcinoma. Review status: no classification provided. Collection method: in vitro. Allele origin: not applicable. Functional consequence: retained intron. Not counted in ClinVar's aggregate classification.

Dr. Peter K. Rogan Lab, Western University
No classification provided (evidence only). Condition: Uterine carcinosarcoma. Review status: no classification provided. Collection method: in vitro. Allele origin: not applicable. Functional consequence: retained intron. Not counted in ClinVar's aggregate classification.

Genetic Services Laboratory, University of Chicago
Classification: Likely benign for AllHighlyPenetrant. Review status: no assertion criteria provided. Collection method: clinical testing. Allele origin: germline. Not counted in ClinVar's aggregate classification.
Comment: Likely benign based on allele frequency in 1000 Genomes Project or ESP global frequency and its presence in a patient with a rare or unrelated disease phenotype. NOT Sanger confirmed.

Joint Genome Diagnostic Labs from Nijmegen and Maastricht, Radboudumc and MUMC+
Classification: Benign. Review status: no assertion criteria provided. Collection method: clinical testing. Allele origin: germline. Affected: yes. Study: VKGL Data-share Consensus. Not counted in ClinVar's aggregate classification.